The following is an entry in ClinVar:

ClinVar aggregate classification (germline): Likely benign (1 of 4 stars; one submission).

Conditions:
Familial cancer of breast. Also called: BREAST CANCER, FAMILIAL; Hereditary breast cancer; hereditary breast carcinoma. Identifiers: Orphanet 227535, MedGen C0346153, MONDO:0016419, OMIM 114480. Disease mechanism: loss of function.

Submission:

Myriad Genetics, Inc.
Classification: Likely benign for Familial cancer of breast. Last evaluated: 2024-04-19. Review status: criteria provided, single submitter. Criteria: Myriad Autosomal Dominant, Autosomal Recessive and X-Linked Classification Criteria (2023). Collection method: clinical testing. Allele origin: unknown.
Comment: This variant is considered likely benign. This variant is intronic and is not expected to impact mRNA splicing.

NM_000051.4(ATM):c.497-8T>C

Gene: ATM (ATM serine/threonine kinase; plus strand). Cytogenetic location: 11q22.3.
Variant type: single nucleotide variant.
Coding change: c.497-8T>C on transcript NM_000051.4 (MANE Select); 8 bases into the intron before coding-DNA position 497, T replaced by C.
Molecular consequence: intron variant.
Genome position (GRCh38, 1-based): chr11:108,243,945, T>C. VCF-style: chr11-108243945-T-C. GRCh37 (hg19) VCF-style: chr11-108114672-T-C.
Other names: c.497-8T>C (NM_001351834.2).
Identifiers: ClinVar variation 3253966 (VCV003253966.1), dbSNP rs2497127662.